The following is an entry in ClinVar:

ClinVar aggregate classification (germline): Uncertain significance (1 of 4 stars; one submission).

Conditions:
Joubert syndrome 21 (JBTS21). Identifiers: MedGen C3810212, MONDO:0014288, OMIM 615636.

gnomAD v4.1: 1 of 1,595,076 alleles (0.000063%); highest among the groups gnomAD compares: Admixed American, 0.0017%; no homozygotes.

Submission:

Labcorp Genetics (formerly Invitae), Labcorp
Classification: Uncertain significance for Joubert syndrome 21. Last evaluated: 2021-10-05. Review status: criteria provided, single submitter. Criteria: Invitae Variant Classification Sherloc (09022015). Collection method: clinical testing. Allele origin: germline.
Comment: In summary, the available evidence is currently insufficient to determine the role of this variant in disease. Therefore, it has been classified as a Variant of Uncertain Significance. Algorithms developed to predict the effect of missense changes on protein structure and function are either unavailable or do not agree on the potential impact of this missense change (SIFT: "Tolerated"; PolyPhen-2: "Possibly Damaging"; Align-GVGD: "Class C0"). This variant has not been reported in the literature in individuals affected with CSPP1-related conditions. This variant is present in population databases (rs779579881, ExAC 0.009%). This sequence change replaces serine with leucine at codon 909 of the CSPP1 protein (p.Ser909Leu). The serine residue is moderately conserved and there is a large physicochemical difference between serine and leucine.

NM_001382391.1(CSPP1):c.2741C>T (p.Ser914Leu)

Gene: CSPP1 (centrosome and spindle pole associated protein 1; plus strand). Cytogenetic location: 8q13.2.
Variant type: single nucleotide variant.
Coding change: c.2741C>T on transcript NM_001382391.1 (MANE Select); coding-DNA position 2741, C replaced by T.
Protein change: p.Ser914Leu; replaces serine 914 with leucine.
Molecular consequence: missense variant.
Genome position (GRCh38, 1-based): chr8:67,164,421, C>T. VCF-style: chr8-67164421-C-T. GRCh37 (hg19) VCF-style: chr8-68076656-C-T.
Other names: c.1691C>T, p.Ser564Leu (NM_001291339.2); c.2660C>T, p.Ser887Leu (NM_001363131.2); c.2546C>T, p.Ser849Leu (NM_001363132.2); c.2465C>T, p.Ser822Leu (NM_001363133.2); c.2807C>T, p.Ser936Leu (NM_001364869.1); c.2627C>T, p.Ser876Leu (NM_001364870.1); c.2726C>T, p.Ser909Leu (NM_024790.7); short protein forms S822L, S914L, S936L, S564L, S849L, S887L, S876L, S909L.
Identifiers: ClinVar variation 1396515 (VCV001396515.6), dbSNP rs779579881, ClinGen allele CA4770932.
Genomic context (GRCh38, chr8:67,164,421, plus strand): 5'-TGTGTTTTACTTATCAATGGGAATTTGCAGAGGAGAAAAAAAATGTAATTATGGAATTAT[C>T]AGAAATGAGAAAACAGCTTCGTAGTGAAGAGAGGCGTCTACAAGAGCGATTGCTACACAT-3'
Protein context (NP_001369320.1, residues 904-924): EEKKNVIMEL[Ser914Leu]EMRKQLRSEE